The following is an entry in ClinVar:

ClinVar aggregate classification (germline): Likely pathogenic (1 of 4 stars; one submission).

Submission:

GeneDx
Classification: Likely pathogenic. Last evaluated: 2023-12-08. Review status: criteria provided, single submitter. Criteria: GeneDx Variant Classification Process June 2021. Collection method: clinical testing. Allele origin: germline. Affected: yes.
Comment: Not observed at significant frequency in large population cohorts (gnomAD); In silico analysis supports that this missense variant has a deleterious effect on protein structure/function; Has not been previously published as pathogenic or benign to our knowledge

NM_001330288.2(SMARCC2):c.262G>A (p.Gly88Ser)

Gene: SMARCC2 (SWI/SNF related BAF chromatin remodeling complex subunit C2; minus strand). Cytogenetic location: 12q13.2.
Variant type: single nucleotide variant.
Coding change: c.262G>A on transcript NM_001330288.2 (MANE Select); coding-DNA position 262, G replaced by A.
Protein change: p.Gly88Ser; replaces glycine 88 with serine.
Molecular consequence: missense variant.
Genome position (GRCh38, 1-based): chr12:56,186,210, C>T on the plus strand (G>A on the coding strand, the complement: SMARCC2 is on the minus strand). VCF-style: chr12-56186210-C-T. GRCh37 (hg19) VCF-style: chr12-56579994-C-T.
Other names: c.262G>A, p.Gly88Ser (NM_001130420.3, NM_003075.5, NM_139067.4); short protein forms G88S.
Identifiers: ClinVar variation 3365414 (VCV003365414.1).